The following is an entry in ClinVar:

ClinVar aggregate classification (germline): Benign/Likely benign. Review status: criteria provided, multiple submitters, no conflicts (2 of 4 stars). 6 submissions from 6 submitters: Benign (4); Likely benign (2). Last evaluated 2025-05-27.

Conditions:
Catecholaminergic polymorphic ventricular tachycardia (CVPT). Also called: Catecholamine-induced polymorphic ventricular tachycardia. Identifiers: Orphanet 3286, MedGen C5574922, MONDO:0017990.
Cardiomyopathy (CMYO). Also called: Cardiomyopathies. Identifiers: Orphanet 167848, MedGen C0878544, MONDO:0004994, HP:0001638. Inheritance: Various modes of inheritance.
Cardiovascular phenotype. Identifiers: MedGen CN230736.
Catecholaminergic polymorphic ventricular tachycardia 1. Also called: RYR2-Related Catecholaminergic Polymorphic Ventricular Tachycardia; VENTRICULAR TACHYCARDIA, CATECHOLAMINERGIC POLYMORPHIC, 1, WITH OR WITHOUT ATRIAL DYSFUNCTION AND/OR DILATED CARDIOMYOPATHY; VENTRICULAR TACHYCARDIA, STRESS-INDUCED POLYMORPHIC 1. Identifiers: Orphanet 3286, MedGen C1631597, MONDO:0011484, OMIM 604772.

Allele frequency attached by ClinVar (database versions not stated): gnomAD 0.00003; ExAC 0.00007; gnomAD exomes 0.00007; 1000 Genomes Project 30x 0.00047; 1000 Genomes Project 0.00060.
gnomAD v4.1: 124 of 1,613,976 alleles (0.0077%); highest among the groups gnomAD compares: East Asian, 0.28%; no homozygotes.

Submissions (6):

Labcorp Genetics (formerly Invitae), Labcorp
Classification: Benign for Catecholaminergic polymorphic ventricular tachycardia 1. Last evaluated: 2025-05-27. Review status: criteria provided, single submitter. Criteria: Invitae Variant Classification Sherloc (09022015). Collection method: clinical testing. Allele origin: germline.

All of Us Research Program, National Institutes of Health
Classification: Benign for Catecholaminergic polymorphic ventricular tachycardia. Last evaluated: 2023-11-28. Review status: criteria provided, single submitter. Criteria: ACMG Guidelines, 2015. Collection method: clinical testing. Allele origin: germline. Inheritance: Autosomal dominant inheritance. Observed: 4 variant alleles, 4 heterozygotes.
Comment: This study involves interpretation of variants in research participants for the purpose of population health screening. Participant phenotype was not available at the time of variant classification. Additional details can be found in publication PMID: 35346344, PMCID: PMC8962531

Blueprint Genetics
Classification: Likely benign. Last evaluated: 2023-03-01. Review status: criteria provided, single submitter. Criteria: ACMG Guidelines, 2015. Collection method: clinical testing. Allele origin: germline.

Ambry Genetics
Classification: Likely benign for Cardiovascular phenotype. Last evaluated: 2021-06-25. Review status: criteria provided, single submitter. Criteria: Ambry Variant Classification Scheme 2023. Collection method: clinical testing. Allele origin: germline.

Color Diagnostics, LLC DBA Color Health
Classification: Benign for Cardiomyopathy. Last evaluated: 2018-10-30. Review status: criteria provided, single submitter. Criteria: ACMG Guidelines, 2015. Collection method: clinical testing. Allele origin: germline.

GeneDx
Classification: Benign. Last evaluated: 2015-03-03. Review status: criteria provided, single submitter. Criteria: GeneDx Variant Classification Process June 2021. Collection method: clinical testing. Allele origin: germline. Affected: yes.

NM_001035.3(RYR2):c.12669G>A (p.Lys4223=)

Genes: RYR2 (ryanodine receptor 2; plus strand), LOC126806068 (BRD4-independent group 4 enhancer GRCh37_chr1:237947411-237948610; plus strand). Cytogenetic location: 1q43.
Variant type: single nucleotide variant.
Coding change: c.12669G>A on transcript NM_001035.3 (MANE Select); coding-DNA position 12669, G replaced by A.
Protein change: p.Lys4223=; no amino-acid change (lysine 4223 retained).
Molecular consequence: synonymous variant.
Genome position (GRCh38, 1-based): chr1:237,784,381, G>A. VCF-style: chr1-237784381-G-A. GRCh37 (hg19) VCF-style: chr1-237947681-G-A.
Identifiers: ClinVar variation 749196 (VCV000749196.21), dbSNP rs147887477, ClinGen allele CA085215.
Genomic context (GRCh38, chr1:237,784,381, plus strand): 5'-GGCTCAGATCTCGGAGTCGGACTTGAACGAGAGGTCAGCGAATAAGGAAGAAAGCGAGAA[G>A]GAGAGGCCGGAAGAGCAGGGGCCGAGGATGGCTTTCTTCTCCATTCTGACGGTCAGGTCG-3'
Protein context (NP_001026.2, residues 4213-4233): ERSANKEESE[Lys4223=]ERPEEQGPRM